The following is an entry in ClinVar:

NM_005401.5(PTPN14):c.1515C>T (p.Val505=)

Gene: PTPN14 (protein tyrosine phosphatase non-receptor type 14; minus strand). Cytogenetic location: 1q32.3.
Variant type: single nucleotide variant.
Coding change: c.1515C>T on transcript NM_005401.5 (MANE Select); coding-DNA position 1515, C replaced by T.
Protein change: p.Val505=; no amino-acid change (valine 505 retained).
Molecular consequence: synonymous variant.
Genome position (GRCh38, 1-based): chr1:214,384,340, G>A on the plus strand (C>T on the coding strand, the complement: PTPN14 is on the minus strand). VCF-style: chr1-214384340-G-A. GRCh37 (hg19) VCF-style: chr1-214557683-G-A.
Identifiers: ClinVar variation 3041403 (VCV003041403.2), dbSNP rs779067417, ClinGen allele CA1389088.

ClinVar aggregate classification (germline): Likely benign (0 of 4 stars; one submission).

Conditions:
PTPN14-related disorder. Also called: PTPN14-related condition.

Allele frequency attached by ClinVar (database versions not stated): ExAC 0.00001; gnomAD 0.00001; TOPMed 0.00001.
gnomAD v4.1: 17 of 1,614,032 alleles (0.0011%); highest among the groups gnomAD compares: Non-Finnish European, 0.0014%; no homozygotes.

Submission:

PreventionGenetics, part of Exact Sciences
Classification: Likely benign for PTPN14-related condition. Last evaluated: 2019-05-16. Review status: no assertion criteria provided. Collection method: clinical testing. Allele origin: germline.
Comment: This variant is classified as likely benign based on ACMG/AMP sequence variant interpretation guidelines (Richards et al. 2015 PMID: 25741868, with internal and published modifications).